The following is an entry in ClinVar:

NM_001166355.2(LFNG):c.219+1G>A

Gene: LFNG (LFNG O-fucosylpeptide 3-beta-N-acetylglucosaminyltransferase; plus strand). Cytogenetic location: 7p22.3.
Variant type: single nucleotide variant.
Coding change: c.219+1G>A on transcript NM_001166355.2; the canonical splice donor site of the intron after coding-DNA position 219, G replaced by A.
Molecular consequence: splice donor variant.
Genome position (GRCh38, 1-based): chr7:2,513,329, G>A. VCF-style: chr7-2513329-G-A. GRCh37 (hg19) VCF-style: chr7-2552963-G-A.
Identifiers: ClinVar variation 4881306 (VCV004881306.2).
Genomic context (GRCh38, chr7:2,513,329, plus strand): 5'-ATGGATGAGTGGAGCCCAACACCAGCTCTCAGGTCCTACGGAGGTGGCCTCTCTCAGCAG[G>A]TGTGATCGCCATTCCTGGGGACATAACCTCCCCTTCTTCTGCTTCCAGAGCAGCCTGGAA-3'

ClinVar aggregate classification (germline): Uncertain significance (1 of 4 stars; one submission).

gnomAD v4.1: 348 of 1,592,224 alleles (0.022%); highest among the groups gnomAD compares: African/African-American, 0.35%; 3 homozygotes.

Submission:

Dasa
Classification: Uncertain significance. Last evaluated: 2025-01-20. Review status: criteria provided, single submitter. Criteria: DASA Assertion Criteria. Collection method: clinical testing. Allele origin: germline.
Comment: NM_001166355.2(LFNG):c.219+1G>A affects a canonical splice site and is predicted to disrupt normal RNA splicing. This variant is rare in population databases. The currently available literature and clinical evidence are not sufficient to establish a definitive association between this variant and the reported condition. Therefore, this variant is classified as a variant of uncertain significance.